The following is an entry in ClinVar:

ClinVar aggregate classification (germline): Conflicting classifications of pathogenicity. Review status: criteria provided, conflicting classifications (1 of 4 stars). 2 submissions from 2 submitters: Uncertain significance (1); Likely benign (1). Last evaluated 2025-11-15.

Conditions:
CHARGE syndrome (CHARGE). Also called: Hittner Hirsch Kreh syndrome; CHARGE ASSOCIATION--COLOBOMA, HEART ANOMALY, CHOANAL ATRESIA, RETARDATION, GENITAL AND EAR ANOMALIES; Coloboma, heart anomaly, choanal atresia, retardation, genital and ear anomalies; CHARGE association; Hall-Hittner syndrome. Identifiers: Orphanet 138, MedGen C0265354, MONDO:0008965.

gnomAD v4.1: 1 of 1,611,372 alleles (0.000062%); highest among the groups gnomAD compares: Admixed American, 0.0017%; no homozygotes.

Submissions (2):

Labcorp Genetics (formerly Invitae), Labcorp
Classification: Likely benign for CHARGE syndrome. Last evaluated: 2025-11-15. Review status: criteria provided, single submitter. Criteria: Invitae Variant Classification Sherloc (09022015). Collection method: clinical testing. Allele origin: germline.

GeneDx
Classification: Uncertain significance. Last evaluated: 2024-09-24. Review status: criteria provided, single submitter. Criteria: GeneDx Variant Classification Process June 2021. Collection method: clinical testing. Allele origin: germline. Affected: yes.
Comment: Not observed at significant frequency in large population cohorts (gnomAD); In silico analysis indicates that this missense variant does not alter protein structure/function; Has not been previously published as pathogenic or benign to our knowledge

NM_017780.4(CHD7):c.4705A>G (p.Lys1569Glu)

Gene: CHD7 (chromodomain helicase DNA binding protein 7; plus strand). Cytogenetic location: 8q12.2.
Variant type: single nucleotide variant.
Coding change: c.4705A>G on transcript NM_017780.4 (MANE Select); coding-DNA position 4705, A replaced by G.
Protein change: p.Lys1569Glu; replaces lysine 1569 with glutamic acid.
Molecular consequence: missense variant. On other transcripts: intron variant (1).
Genome position (GRCh38, 1-based): chr8:60,841,907, A>G. VCF-style: chr8-60841907-A-G. GRCh37 (hg19) VCF-style: chr8-61754466-A-G.
Other names: c.1717-20322A>G (NM_001316690.1); short protein forms K1569E.
Identifiers: ClinVar variation 3774023 (VCV003774023.2).